The following is an entry in ClinVar:

NM_014423.4(AFF4):c.2529A>G (p.Ser843=)

Gene: AFF4 (ALF transcription elongation factor 4; minus strand). Cytogenetic location: 5q31.1.
Variant type: single nucleotide variant.
Coding change: c.2529A>G on transcript NM_014423.4 (MANE Select); coding-DNA position 2529, A replaced by G.
Protein change: p.Ser843=; no amino-acid change (serine 843 retained).
Molecular consequence: synonymous variant.
Genome position (GRCh38, 1-based): chr5:132,892,272, T>C on the plus strand (A>G on the coding strand, the complement: AFF4 is on the minus strand). VCF-style: chr5-132892272-T-C. GRCh37 (hg19) VCF-style: chr5-132227964-T-C.
Other names: c.2529A>G (NM_014423.3).
Identifiers: ClinVar variation 1572260 (VCV001572260.9), dbSNP rs201355729, ClinGen allele CA3408907.

ClinVar aggregate classification (germline): Benign/Likely benign. Review status: criteria provided, multiple submitters, no conflicts (2 of 4 stars). 2 submissions from 2 submitters: Benign (1); Likely benign (1). Last evaluated 2025-06-08.

Conditions:
Cognitive impairment - coarse facies - heart defects - obesity - pulmonary involvement - short stature - skeletal dysplasia syndrome. Also called: COGNITIVE IMPAIRMENT, COARSE FACIES, HEART DEFECTS, OBESITY, PULMONARY INVOLVEMENT, SHORT STATURE, AND SKELETAL DYSPLASIA; Chops syndrome; AFF4-Related CHOPS Syndrome. Identifiers: Orphanet 444077, MedGen C4085597, MONDO:0014609, OMIM 616368.
AFF4-related disorder. Also called: AFF4-related condition.

Allele frequency attached by ClinVar (database versions not stated): gnomAD exomes 0.00003 and 0.00019; gnomAD 0.00009 and 0.00011; ExAC 0.00022; 1000 Genomes Project 0.00060; 1000 Genomes Project 30x 0.00062.
gnomAD v4.1: 67 of 1,614,092 alleles (0.0042%); highest among the groups gnomAD compares: East Asian, 0.13%; 1 homozygote.

Submissions (2):

Labcorp Genetics (formerly Invitae), Labcorp
Classification: Benign for Cognitive impairment - coarse facies - heart defects - obesity - pulmonary involvement - short stature - skeletal dysplasia syndrome. Last evaluated: 2025-06-08. Review status: criteria provided, single submitter. Criteria: Invitae Variant Classification Sherloc (09022015). Collection method: clinical testing. Allele origin: germline.

PreventionGenetics, part of Exact Sciences
Classification: Likely benign for AFF4-related condition. Last evaluated: 2025-03-18. Review status: criteria provided, single submitter. Criteria: ACMG Guidelines, 2015. Collection method: clinical testing. Allele origin: germline.
Comment: This variant is classified as likely benign based on ACMG/AMP sequence variant interpretation guidelines (Richards et al. 2015 PMID: 25741868, with internal and published modifications).